The following is an entry in ClinVar:

NM_212482.4(FN1):c.6224C>T (p.Pro2075Leu)

Gene: FN1 (fibronectin 1; minus strand). Cytogenetic location: 2q35.
Variant type: single nucleotide variant.
Coding change: c.6224C>T on transcript NM_212482.4 (MANE Select); coding-DNA position 6224, C replaced by T.
Protein change: p.Pro2075Leu; replaces proline 2075 with leucine.
Molecular consequence: missense variant.
Genome position (GRCh38, 1-based): chr2:215,373,345, G>A on the plus strand (C>T on the coding strand, the complement: FN1 is on the minus strand). VCF-style: chr2-215373345-G-A. GRCh37 (hg19) VCF-style: chr2-216238068-G-A.
Other names: c.6224C>T, p.Pro2075Leu (NM_001306129.2); c.5954C>T, p.Pro1985Leu (NM_001306130.2, NM_001365517.2, NM_001365519.2 and 2 more transcripts); c.5681C>T, p.Pro1894Leu (NM_001306131.2, NM_001306132.2, NM_001365523.2 and 2 more transcripts); c.5951C>T, p.Pro1984Leu (NM_001365518.2, NM_001365520.2, NM_001365524.2 and 2 more transcripts); short protein forms P1894L, P1985L, P2075L, P1984L.
Identifiers: ClinVar variation 1440599 (VCV001440599.6), dbSNP rs775398685, ClinGen allele CA2093908.

ClinVar aggregate classification (germline): Uncertain significance (1 of 4 stars; one submission).

Allele frequency attached by ClinVar (database versions not stated): gnomAD exomes below 0.00001; ExAC 0.00001.
gnomAD v4.1: 2 of 1,613,416 alleles (0.00012%); highest among the groups gnomAD compares: South Asian, 0.0011%; no homozygotes.

Submission:

Labcorp Genetics (formerly Invitae), Labcorp
Classification: Uncertain significance. Last evaluated: 2021-10-09. Review status: criteria provided, single submitter. Criteria: Invitae Variant Classification Sherloc (09022015). Collection method: clinical testing. Allele origin: germline.
Comment: In summary, the available evidence is currently insufficient to determine the role of this variant in disease. Therefore, it has been classified as a Variant of Uncertain Significance. Algorithms developed to predict the effect of missense changes on protein structure and function are either unavailable or do not agree on the potential impact of this missense change (SIFT: "Not Available"; PolyPhen-2: "Possibly Damaging"; Align-GVGD: "Not Available"). This variant has not been reported in the literature in individuals affected with FN1-related conditions. This variant is present in population databases (rs775398685, ExAC 0.006%). This sequence change replaces proline with leucine at codon 2075 of the FN1 protein (p.Pro2075Leu). The proline residue is highly conserved and there is a moderate physicochemical difference between proline and leucine.